The following is an entry in ClinVar:

ClinVar aggregate classification (germline): Uncertain significance (1 of 4 stars; one submission).

Submission:

Quest Diagnostics Nichols Institute San Juan Capistrano
Classification: Uncertain significance. Last evaluated: 2023-08-02. Review status: criteria provided, single submitter. Criteria: Quest Diagnostics criteria. Collection method: clinical testing. Allele origin: unknown.
Comment: This variant has not been reported in the published literature. It also has not been reported in large, multi-ethnic general populations (Genome Aggregation Database). Analysis of this variant using bioinformatics tools for the prediction of the effect of amino acid changes on protein structure and function yielded predictions that this variant is benign. Based on the available information, we are unable to determine the clinical significance of this variant.

NM_020937.4(FANCM):c.3427G>A (p.Glu1143Lys)

Gene: FANCM (FA complementation group M; plus strand). Cytogenetic location: 14q21.2.
Variant type: single nucleotide variant.
Coding change: c.3427G>A on transcript NM_020937.4 (MANE Select); coding-DNA position 3427, G replaced by A.
Protein change: p.Glu1143Lys; replaces glutamic acid 1143 with lysine.
Molecular consequence: missense variant.
Genome position (GRCh38, 1-based): chr14:45,176,181, G>A. VCF-style: chr14-45176181-G-A. GRCh37 (hg19) VCF-style: chr14-45645384-G-A.
Other names: c.3349G>A, p.Glu1117Lys (NM_001308133.2); short protein forms E1117K, E1143K.
Identifiers: ClinVar variation 2681925 (VCV002681925.1), dbSNP rs1244568476, ClinGen allele CA389601497.